The following is an entry in ClinVar:

ClinVar aggregate classification (germline): Pathogenic (1 of 4 stars; one submission).

Conditions:
Ataxia-telangiectasia syndrome (AT). Also called: Ataxia-telangiectasia, complementation group D; AT, COMPLEMENTATION GROUP C; ATAXIA-TELANGIECTASIA, COMPLEMENTATION GROUP A; ATAXIA-TELANGIECTASIA, FRESNO VARIANT; Ataxia-telangiectasia; Ataxia-telangiectasia, complementation group E. Identifiers: Orphanet 100, MedGen C0004135, MONDO:0008840, OMIM 208900.

Submission:

Labcorp Genetics (formerly Invitae), Labcorp
Classification: Pathogenic for Ataxia-telangiectasia syndrome. Last evaluated: 2025-09-04. Review status: criteria provided, single submitter. Criteria: Invitae Variant Classification Sherloc (09022015). Collection method: clinical testing. Allele origin: germline.
Comment: This sequence change creates a premature translational stop signal (p.Met2520Serfs*12) in the ATM gene. It is expected to result in an absent or disrupted protein product. Loss-of-function variants in ATM are known to be pathogenic (PMID: 23807571, 25614872). This variant is not present in population databases (gnomAD no frequency). This variant has not been reported in the literature in individuals affected with ATM-related conditions. Algorithms developed to predict the effect of sequence changes on RNA splicing suggest that this variant may create or strengthen a splice site. For these reasons, this variant has been classified as Pathogenic.

Literature cited by the submitters: PubMed 23807571; PubMed 25614872.

NM_000051.4(ATM):c.7559del (p.Met2520fs)

Genes: ATM (ATM serine/threonine kinase; plus strand), C11orf65 (chromosome 11 open reading frame 65; minus strand). Cytogenetic location: 11q22.3.
Variant type: Deletion.
Coding change: c.7559del on transcript NM_000051.4 (MANE Select); coding-DNA position 7559, one base deleted (T; older notation c.7559delT).
Protein change: p.Met2520fs; shifts the reading frame from methionine 2520.
Molecular consequence: frameshift variant. On other transcripts: non-coding transcript variant (1), intron variant (2).
Genome position (GRCh38, 1-based): chr11:108,331,487, T deleted. VCF-style (leftmost placement, unchanged base first): chr11-108331486-AT-A. GRCh37 (hg19) VCF-style: chr11-108202213-AT-A.
Other names: c.7559del, p.Met2520fs (NM_001351834.2); c.641-22416del (NM_001330368.2); c.*38+3733del (NM_001351110.2); short protein forms M2520fs.
Identifiers: ClinVar variation 4726672 (VCV004726672.1).